The following is an entry in ClinVar:

ClinVar aggregate classification (germline): Uncertain significance (1 of 4 stars; one submission).

Conditions:
Mega-corpus-callosum syndrome with cerebellar hypoplasia and cortical malformations. Identifiers: MedGen C4748927, MONDO:0032648, OMIM 618273.

gnomAD v4.1: 2 of 1,590,982 alleles (0.00013%); highest among the groups gnomAD compares: African/African-American, 0.0027%; no homozygotes.

Submission:

Breda Genetics srl
Classification: Uncertain significance for Mega-corpus-callosum syndrome with cerebellar hypoplasia and cortical malformations. Last evaluated: 2020-10-14. Review status: criteria provided, single submitter. Criteria: ACMG Guidelines, 2015. Collection method: clinical testing. Allele origin: germline. Affected: yes. Observed: 1 variant allele.

Literature cited by the submitters: PubMed 30449657.

NM_014975.3(MAST1):c.2316G>C (p.Glu772Asp)

Genes: MAST1 (microtubule associated serine/threonine kinase 1; plus strand), LOC112543452 (Sharpr-MPRA regulatory region 6054; plus strand). Cytogenetic location: 19p13.13.
Variant type: single nucleotide variant.
Coding change: c.2316G>C on transcript NM_014975.3 (MANE Select); coding-DNA position 2316, G replaced by C.
Protein change: p.Glu772Asp; replaces glutamic acid 772 with aspartic acid.
Molecular consequence: missense variant.
Genome position (GRCh38, 1-based): chr19:12,867,650, G>C. VCF-style: chr19-12867650-G-C. GRCh37 (hg19) VCF-style: chr19-12978464-G-C.
Other names: p.Glu772Asp; short protein forms E772D.
Identifiers: ClinVar variation 4974784 (VCV004974784.1), dbSNP rs976625881.